The following is an entry in ClinVar:

NM_001372044.2(SHANK3):c.621A>C (p.Ala207=)

Gene: SHANK3 (SH3 and multiple ankyrin repeat domains 3; plus strand). Cytogenetic location: 22q13.33.
Variant type: single nucleotide variant.
Coding change: c.621A>C on transcript NM_001372044.2 (MANE Select); coding-DNA position 621, A replaced by C.
Protein change: p.Ala207=; no amino-acid change (alanine 207 retained).
Molecular consequence: synonymous variant.
Genome position (GRCh38, 1-based): chr22:50,678,641, A>C. VCF-style: chr22-50678641-A-C. GRCh37 (hg19) VCF-style: chr22-51117069-A-C.
Identifiers: ClinVar variation 3898184 (VCV003898184.7).

ClinVar aggregate classification (germline): Likely benign (1 of 4 stars; one submission).

Submission:

CeGaT Center for Human Genetics Tuebingen
Classification: Likely benign. Last evaluated: 2025-04-01. Review status: criteria provided, single submitter. Criteria: CeGaT Center For Human Genetics Tuebingen Variant Classification Criteria Version 2. Collection method: clinical testing. Allele origin: germline. Affected: yes. Observed: 1 variant allele.
Comment: SHANK3: BP4, BP7